The following is an entry in ClinVar:

NM_006946.4(SPTBN2):c.5060G>A (p.Arg1687Gln)

Gene: SPTBN2 (spectrin beta, non-erythrocytic 2; minus strand). Cytogenetic location: 11q13.2.
Variant type: single nucleotide variant.
Coding change: c.5060G>A on transcript NM_006946.4 (MANE Select); coding-DNA position 5060, G replaced by A.
Protein change: p.Arg1687Gln; replaces arginine 1687 with glutamine.
Molecular consequence: missense variant.
Genome position (GRCh38, 1-based): chr11:66,692,666, C>T on the plus strand (G>A on the coding strand, the complement: SPTBN2 is on the minus strand). VCF-style: chr11-66692666-C-T. GRCh37 (hg19) VCF-style: chr11-66460137-C-T.
Other names: short protein forms R1687Q.
Identifiers: ClinVar variation 448509 (VCV000448509.7), dbSNP rs763770499, ClinGen allele CA6128378.

ClinVar aggregate classification (germline): Conflicting classifications of pathogenicity. Review status: criteria provided, conflicting classifications (1 of 4 stars). 4 submissions from 4 submitters: Uncertain significance (2); Likely benign (2). Last evaluated 2025-06-10.

Conditions:
Autosomal recessive spinocerebellar ataxia 14. Also called: CEREBELLAR ATAXIA, AUTOSOMAL RECESSIVE, SPECTRIN-ASSOCIATED, 1. Identifiers: Orphanet 352403, MedGen C4706415, MONDO:0014159, OMIM 615386.
Spinocerebellar ataxia type 5 (SCA5). Identifiers: Orphanet 98766, MedGen C0752123, MONDO:0010848, OMIM 600224.
Inborn genetic diseases. Identifiers: MedGen C0950123, MeSH D030342.

Allele frequency attached by ClinVar (database versions not stated): gnomAD 0.00004; gnomAD exomes 0.00004 and 0.00008; TOPMed 0.00006; ExAC 0.00008.

Submissions (4):

Athena Diagnostics
Classification: Likely benign. Last evaluated: 2025-06-10. Review status: criteria provided, single submitter. Criteria: Athena Diagnostics Criteria. Collection method: clinical testing. Allele origin: unknown.
Comment: The frequency of this variant in the general population is higher than would generally be expected for pathogenic variants in this gene.

Labcorp Genetics (formerly Invitae), Labcorp
Classification: Likely benign. Last evaluated: 2025-05-13. Review status: criteria provided, single submitter. Criteria: Invitae Variant Classification Sherloc (09022015). Collection method: clinical testing. Allele origin: germline.

Ambry Genetics
Classification: Uncertain significance for Inborn genetic diseases. Last evaluated: 2024-08-11. Review status: criteria provided, single submitter. Criteria: Ambry Variant Classification Scheme 2023. Collection method: clinical testing. Allele origin: germline.

Department of Pathology and Laboratory Medicine, Sinai Health System
Classification: Uncertain significance for Spinocerebellar ataxia type 5; Autosomal recessive spinocerebellar ataxia 14. Last evaluated: 2022-07-20. Review status: criteria provided, single submitter. Criteria: ACMG Guidelines, 2015. Collection method: research. Allele origin: germline.